The following is an entry in ClinVar:

NM_001267550.2(TTN):c.61939A>C (p.Lys20647Gln)

Genes: TTN (titin; minus strand), TTN-AS1 (TTN antisense RNA 1; plus strand). Cytogenetic location: 2q31.2.
Variant type: single nucleotide variant.
Coding change: c.61939A>C on transcript NM_001267550.2 (MANE Select); coding-DNA position 61939, A replaced by C.
Protein change: p.Lys20647Gln; replaces lysine 20647 with glutamine.
Molecular consequence: missense variant.
Genome position (GRCh38, 1-based): chr2:178,589,786, T>G on the plus strand (A>C on the coding strand, the complement: TTN is on the minus strand). VCF-style: chr2-178589786-T-G. GRCh37 (hg19) VCF-style: chr2-179454513-T-G.
Other names: c.57016A>C, p.Lys19006Gln (NM_001256850.1); c.34744A>C, p.Lys11582Gln (NM_003319.4); c.54235A>C, p.Lys18079Gln (NM_133378.4); c.35119A>C, p.Lys11707Gln (NM_133432.3); c.35320A>C, p.Lys11774Gln (NM_133437.4); short protein forms K11582Q, K11707Q, K11774Q, K18079Q, K19006Q, K20647Q.
Identifiers: ClinVar variation 4074488 (VCV004074488.2).
Genomic context (GRCh38, chr2:178,589,786, plus strand): 5'-CAATAGGGTTAATAGCCAGAATGGGAGTTTTTGTTTCGATGGTTGGCCCAACACCTACTT[T>G]ATTCTCTGCACAAACTCGGAAATAGTATTCATTGTTGGCTAAAAGGTTGGCCTTGATTAA-3'
Protein context (NP_001254479.2, residues 20637-20657): EYYFRVCAEN[Lys20647Gln]VGVGPTIETK

ClinVar aggregate classification (germline): Uncertain significance (1 of 4 stars; one submission).

gnomAD v4.1: 1 of 1,613,592 alleles (0.000062%); highest among the groups gnomAD compares: Admixed American, 0.0017%; no homozygotes.

Submission:

GeneDx
Classification: Uncertain significance. Last evaluated: 2026-10-09. Review status: criteria provided, single submitter. Criteria: GeneDx Variant Classification Process June 2021. Collection method: clinical testing. Allele origin: germline.
Comment: Not observed at significant frequency in large population cohorts (gnomAD); Missense variant in a gene in which most reported pathogenic variants are truncating/loss of function; Has not been previously published as pathogenic or benign to our knowledge